The following is an entry in ClinVar:

ClinVar aggregate classification (germline): Uncertain significance (1 of 4 stars; one submission).

Conditions:
Atrial fibrillation, familial, 6 (ATFB6). Identifiers: MedGen C2677294, MONDO:0012816, OMIM 612201.

Allele frequency attached by ClinVar (database versions not stated): gnomAD exomes below 0.00001; ExAC 0.00001.
gnomAD v4.1: 2 of 1,614,142 alleles (0.00012%); highest among the groups gnomAD compares: Non-Finnish European, 0.00017%; no homozygotes.

Submission:

Labcorp Genetics (formerly Invitae), Labcorp
Classification: Uncertain significance for Atrial fibrillation, familial, 6. Last evaluated: 2022-06-29. Review status: criteria provided, single submitter. Criteria: Invitae Variant Classification Sherloc (09022015). Collection method: clinical testing. Allele origin: germline.
Comment: This variant has not been reported in the literature in individuals affected with NPPA-related conditions. In summary, the available evidence is currently insufficient to determine the role of this variant in disease. Therefore, it has been classified as a Variant of Uncertain Significance. Algorithms developed to predict the effect of missense changes on protein structure and function (SIFT, PolyPhen-2, Align-GVGD) all suggest that this variant is likely to be disruptive. ClinVar contains an entry for this variant (Variation ID: 580618). This variant is present in population databases (rs771777356, gnomAD 0.007%). This sequence change replaces tyrosine, which is neutral and polar, with histidine, which is basic and polar, at codon 29 of the NPPA protein (p.Tyr29His).

NM_006172.4(NPPA):c.85T>C (p.Tyr29His)

Genes: NPPA (natriuretic peptide A; minus strand), NPPA-AS1 (NPPA antisense RNA 1; plus strand), LOC114827827 (VISTA enhancer hs2123; plus strand). Cytogenetic location: 1p36.22.
Variant type: single nucleotide variant.
Coding change: c.85T>C on transcript NM_006172.4 (MANE Select); coding-DNA position 85, T replaced by C.
Protein change: p.Tyr29His; replaces tyrosine 29 with histidine.
Molecular consequence: missense variant. On other transcripts: non-coding transcript variant (1).
Genome position (GRCh38, 1-based): chr1:11,847,600, A>G on the plus strand (T>C on the coding strand, the complement: NPPA is on the minus strand). VCF-style: chr1-11847600-A-G. GRCh37 (hg19) VCF-style: chr1-11907657-A-G.
Other names: c.85T>C (LRG_751t1); short protein forms Y29H.
Identifiers: ClinVar variation 580618 (VCV000580618.8), dbSNP rs771777356, ClinGen allele CA597114.
Genomic context (GRCh38, chr1:11,847,600, plus strand): 5'-GCACCCGCTTTCCTGGCCCTACCTTGAAATCCATCAGGTCTGCGTTGGACACGGCATTGT[A>G]CATGGGATTAGCTCTGGTCTGACCTAGGAGCTGGAATGCCAGTAAAAGGAGGAAGCTCAC-3'
Protein context (NP_006163.1, residues 19-39): LLGQTRANPM[Tyr29His]NAVSNADLMD